The following is an entry in ClinVar:

ClinVar aggregate classification (germline): Benign. Review status: criteria provided, multiple submitters, no conflicts (2 of 4 stars). 2 submissions from 2 submitters: Benign (2). Last evaluated 2018-06-19.

Allele frequency attached by ClinVar (database versions not stated): TOPMed 0.03119; 1000 Genomes Project 0.03195; 1000 Genomes Project 30x 0.03389.
gnomAD v4.1: 6,632 of 788,754 alleles (0.84%); highest among the groups gnomAD compares: African/African-American, 9.2%; 242 homozygotes.

Submissions (2):

GeneDx
Classification: Benign. Last evaluated: 2018-06-19. Review status: criteria provided, single submitter. Criteria: GeneDx Variant Classification (06012015). Collection method: clinical testing. Allele origin: germline. Affected: yes.
Comment: This variant is considered likely benign or benign based on one or more of the following criteria: it is a conservative change, it occurs at a poorly conserved position in the protein, it is predicted to be benign by multiple in silico algorithms, and/or has population frequency not consistent with disease.

Breakthrough Genomics
Classification: Benign. Review status: criteria provided, single submitter. Criteria: ACMG Guidelines, 2015. Collection method: not provided. Allele origin: germline. Inheritance: Autosomal recessive inheritance. Affected: yes.

NM_001848.3(COL6A1):c.1823-199G>T

Gene: COL6A1 (collagen type VI alpha 1 chain; plus strand). Cytogenetic location: 21q22.3.
Variant type: single nucleotide variant.
Coding change: c.1823-199G>T on transcript NM_001848.3 (MANE Select); 199 bases into the intron before coding-DNA position 1823, G replaced by T.
Molecular consequence: intron variant.
Genome position (GRCh38, 1-based): chr21:46,001,054, G>T. VCF-style: chr21-46001054-G-T. GRCh37 (hg19) VCF-style: chr21-47420968-G-T.
Identifiers: ClinVar variation 679196 (VCV000679196.2), dbSNP rs146010507, ClinGen allele CA321975213.